The following is an entry in ClinVar:

NM_018051.5(DYNC2I1):c.1315C>G (p.Gln439Glu)

Gene: DYNC2I1 (dynein 2 intermediate chain 1; plus strand). Cytogenetic location: 7q36.3.
Variant type: single nucleotide variant.
Coding change: c.1315C>G on transcript NM_018051.5 (MANE Select); coding-DNA position 1315, C replaced by G.
Protein change: p.Gln439Glu; replaces glutamine 439 with glutamic acid.
Molecular consequence: missense variant. On other transcripts: 5 prime UTR variant (3).
Genome position (GRCh38, 1-based): chr7:158,902,553, C>G. VCF-style: chr7-158902553-C-G. GRCh37 (hg19) VCF-style: chr7-158695244-C-G.
Other names: c.1177C>G, p.Gln393Glu (NM_001350914.2); c.742C>G, p.Gln248Glu (NM_001350915.2); c.-44C>G (NM_001350916.2); c.-52C>G (NM_001350917.2, NM_001350918.2); c.1315C>G (NM_018051.4); short protein forms Q248E, Q393E, Q439E.
Identifiers: ClinVar variation 1680670 (VCV001680670.12), dbSNP rs372622058, ClinGen allele CA4594569.

ClinVar aggregate classification (germline): Uncertain significance. Review status: criteria provided, multiple submitters, no conflicts (2 of 4 stars). 4 submissions from 4 submitters: Uncertain significance (4). Last evaluated 2025-08-21.

Conditions:
Short-rib thoracic dysplasia 8 with or without polydactyly (SRTD8). Also called: SHORT-RIB THORACIC DYSPLASIA 8 WITH POLYDACTYLY. Identifiers: Orphanet 93271, MedGen C3809691, MONDO:0014214, OMIM 615503.
Inborn genetic diseases. Identifiers: MedGen C0950123, MeSH D030342.

Allele frequency attached by ClinVar (database versions not stated): ESP Exome Variant Server 0.00008; ExAC 0.00012; gnomAD exomes 0.00012 and 0.00024; TOPMed 0.00014; gnomAD 0.00015 and 0.00016.
gnomAD v4.1: 362 of 1,613,848 alleles (0.022%); highest among the groups gnomAD compares: Non-Finnish European, 0.029%; no homozygotes.

Submissions (4):

Labcorp Genetics (formerly Invitae), Labcorp
Classification: Uncertain significance for Short-rib thoracic dysplasia 8 with or without polydactyly. Last evaluated: 2025-08-21. Review status: criteria provided, single submitter. Criteria: Invitae Variant Classification Sherloc (09022015). Collection method: clinical testing. Allele origin: germline.
Comment: This sequence change replaces glutamine, which is neutral and polar, with glutamic acid, which is acidic and polar, at codon 439 of the WDR60 protein (p.Gln439Glu). This variant is present in population databases (rs372622058, gnomAD 0.03%). This variant has not been reported in the literature in individuals affected with WDR60-related conditions. ClinVar contains an entry for this variant (Variation ID: 1680670). An algorithm developed to predict the effect of missense changes on protein structure and function outputs the following: PolyPhen-2: "Benign". The glutamic acid amino acid residue is found in multiple mammalian species, which suggests that this missense change does not adversely affect protein function. In summary, the available evidence is currently insufficient to determine the role of this variant in disease. Therefore, it has been classified as a Variant of Uncertain Significance.

Ambry Genetics
Classification: Uncertain significance for Inborn genetic diseases. Last evaluated: 2025-04-10. Review status: criteria provided, single submitter. Criteria: Ambry Variant Classification Scheme 2023. Collection method: clinical testing. Allele origin: germline.

Blueprint Genetics
Classification: Uncertain significance. Last evaluated: 2024-11-26. Review status: criteria provided, single submitter. Criteria: ACMG Guidelines, 2015. Collection method: clinical testing. Allele origin: germline.

Clinical Genomics Laboratory, Stanford Medicine
Classification: Uncertain significance for Short-rib thoracic dysplasia 8 with or without polydactyly. Last evaluated: 2023-01-24. Review status: criteria provided, single submitter. Criteria: ACMG Guidelines, 2015. Collection method: clinical testing. Allele origin: germline. Observed: 1 variant allele, 1 heterozygote.